The following is an entry in ClinVar:

NM_015662.3(IFT172):c.3797G>A (p.Arg1266Gln)

Genes: IFT172 (intraflagellar transport 172; minus strand), LOC126806173 (BRD4-independent group 4 enhancer GRCh37_chr2:27676057-27677256; plus strand). Cytogenetic location: 2p23.3.
Variant type: single nucleotide variant.
Coding change: c.3797G>A on transcript NM_015662.3 (MANE Select); coding-DNA position 3797, G replaced by A.
Protein change: p.Arg1266Gln; replaces arginine 1266 with glutamine.
Molecular consequence: missense variant.
Genome position (GRCh38, 1-based): chr2:27,453,654, C>T on the plus strand (G>A on the coding strand, the complement: IFT172 is on the minus strand). VCF-style: chr2-27453654-C-T. GRCh37 (hg19) VCF-style: chr2-27676521-C-T.
Other names: c.3731G>A, p.Arg1244Gln (NM_001410739.1); c.3797G>A (NM_015662.1, NM_015662.2); short protein forms R1244Q, R1266Q.
Identifiers: ClinVar variation 2083739 (VCV002083739.4), dbSNP rs770396560, ClinGen allele CA1579862.
Genomic context (GRCh38, chr2:27,453,654, plus strand): 5'-GCCCTGCCAATGCTGCCTGGACCTCTGGCCTCATACCTGGCCCCCTTCTTAGTAGCTTCC[C>T]GCTCATATTCTTCCTGCAGAGCCTCCAGCTGGCTGGGCACATAGTCCTTGCAGATGCGCA-3'
Protein context (NP_056477.1, residues 1256-1276): QLEALQEEYE[Arg1266Gln]EATKKGARGV

ClinVar aggregate classification (germline): Uncertain significance. Review status: criteria provided, multiple submitters, no conflicts (2 of 4 stars). 3 submissions from 3 submitters: Uncertain significance (2). 1 of the submissions does not count toward it. Last evaluated 2023-04-18.

Conditions:
Retinitis pigmentosa 71 (RP71). Identifiers: Orphanet 791, MedGen C4225342, MONDO:0014618, OMIM 616394.
Short-rib thoracic dysplasia 10 with or without polydactyly (SRTD10). Identifiers: Orphanet 474, MedGen C3810175, MONDO:0014284, OMIM 615630.
IFT172-related disorder. Also called: IFT172-related condition; IFT172-related disorders.
Inborn genetic diseases. Identifiers: MedGen C0950123, MeSH D030342.

Allele frequency attached by ClinVar (database versions not stated): ExAC 0.00002.
gnomAD v4.1: 14 of 1,611,964 alleles (0.00087%); highest among the groups gnomAD compares: Non-Finnish European, 0.001%; no homozygotes.

Submissions (3):

Ambry Genetics
Classification: Uncertain significance for Inborn genetic diseases. Last evaluated: 2023-04-18. Review status: criteria provided, single submitter. Criteria: Ambry Variant Classification Scheme 2023. Collection method: clinical testing. Allele origin: germline.

Labcorp Genetics (formerly Invitae), Labcorp
Classification: Uncertain significance for Retinitis pigmentosa 71; Short-rib thoracic dysplasia 10 with or without polydactyly. Last evaluated: 2022-03-14. Review status: criteria provided, single submitter. Criteria: Invitae Variant Classification Sherloc (09022015). Collection method: clinical testing. Allele origin: germline.
Comment: This sequence change replaces arginine, which is basic and polar, with glutamine, which is neutral and polar, at codon 1266 of the IFT172 protein (p.Arg1266Gln). This variant is present in population databases (rs770396560, gnomAD 0.004%). This variant has not been reported in the literature in individuals affected with IFT172-related conditions. Algorithms developed to predict the effect of missense changes on protein structure and function output the following: SIFT: "Tolerated"; PolyPhen-2: "Benign"; Align-GVGD: "Class C0". The glutamine amino acid residue is found in multiple mammalian species, which suggests that this missense change does not adversely affect protein function. In summary, the available evidence is currently insufficient to determine the role of this variant in disease. Therefore, it has been classified as a Variant of Uncertain Significance.

PreventionGenetics, part of Exact Sciences
Classification: Uncertain significance for IFT172-related condition. Last evaluated: 2024-05-08. Review status: no assertion criteria provided. Collection method: clinical testing. Allele origin: germline. Not counted in ClinVar's aggregate classification.
Comment: The IFT172 c.3797G>A variant is predicted to result in the amino acid substitution p.Arg1266Gln. To our knowledge, this variant has not been reported in the literature. This variant is reported in 0.0046% of alleles in individuals of European (Finnish) descent in gnomAD. At this time, the clinical significance of this variant is uncertain due to the absence of conclusive functional and genetic evidence.